The following is an entry in ClinVar:

NM_005901.6(SMAD2):c.992A>T (p.His331Leu)

Gene: SMAD2 (SMAD family member 2; minus strand). Cytogenetic location: 18q21.1.
Variant type: single nucleotide variant.
Coding change: c.992A>T on transcript NM_005901.6 (MANE Select); coding-DNA position 992, A replaced by T.
Protein change: p.His331Leu; replaces histidine 331 with leucine.
Molecular consequence: missense variant.
Genome position (GRCh38, 1-based): chr18:47,848,480, T>A on the plus strand (A>T on the coding strand, the complement: SMAD2 is on the minus strand). VCF-style: chr18-47848480-T-A. GRCh37 (hg19) VCF-style: chr18-45374851-T-A.
Other names: c.992A>T, p.His331Leu (NM_001003652.4); c.902A>T, p.His301Leu (NM_001135937.3); short protein forms H331L, H301L.
Identifiers: ClinVar variation 4795265 (VCV004795265.1).

ClinVar aggregate classification (germline): Uncertain significance (1 of 4 stars; one submission).

Submission:

GeneDx
Classification: Uncertain significance. Last evaluated: 2025-08-13. Review status: criteria provided, single submitter. Criteria: GeneDx Variant Classification Process June 2021. Collection method: clinical testing. Allele origin: germline. Affected: yes.
Comment: Not observed at significant frequency in large population cohorts (gnomAD); In silico analysis supports that this missense variant has a deleterious effect on protein structure/function; Has not been previously published as pathogenic or benign to our knowledge